The following is an entry in ClinVar:

NM_001267550.2(TTN):c.67028dup (p.Glu22344fs)

Genes: TTN (titin; minus strand), TTN-AS1 (TTN antisense RNA 1; plus strand). Cytogenetic location: 2q31.2.
Variant type: Duplication.
Coding change: c.67028dup on transcript NM_001267550.2 (MANE Select); coding-DNA position 67028, one base duplicated (A; older notation c.67028dupA).
Protein change: p.Glu22344fs; shifts the reading frame from glutamic acid 22344.
Molecular consequence: frameshift variant.
Genome position (GRCh38, 1-based): chr2:178,580,351, T duplicated on the plus strand (A on the coding strand, the reverse complement: TTN is on the minus strand); the first of 5 consecutive T bases (chr2:178,580,351-178,580,355); duplicating any one gives the same sequence. VCF-style (leftmost placement, unchanged base first): chr2-178580350-C-CT. GRCh37 (hg19) VCF-style: chr2-179445077-C-CT.
Other names: c.62105dup, p.Glu20703fs (NM_001256850.1); c.39833dup, p.Glu13279fs (NM_003319.4); c.59324dup, p.Glu19776fs (NM_133378.4); c.40208dup, p.Glu13404fs (NM_133432.3); c.40409dup, p.Glu13471fs (NM_133437.4); c.39833dupA (NM_003319.4); short protein forms E13279fs, E13404fs, E13471fs, E19776fs, E20703fs, E22344fs.
Identifiers: ClinVar variation 1736712 (VCV001736712.4), dbSNP rs2047417339, ClinGen allele CA1310535274.
Genomic context (GRCh38, chr2:178,580,350, plus strand): 5'-ATATATATGATTCTTTTTTGAAATAGACTTACCAAGCACTTTCACAACAATGGTATATTC[C>CT]TTTTTACCACAGCTGTTCTCCAGGGTTAAGATATATTTTCCTGCATCATATTTGTTCACA-3'

ClinVar aggregate classification (germline): Likely pathogenic. Review status: criteria provided, multiple submitters, no conflicts (2 of 4 stars). 2 submissions from 2 submitters: Likely pathogenic (2). Last evaluated 2025-12-08.

Conditions:
Cardiovascular phenotype. Identifiers: MedGen CN230736.
Autosomal recessive limb-girdle muscular dystrophy type 2J (LGMDR10). Also called: Limb-girdle muscular dystrophy, type 2J; MUSCULAR DYSTROPHY, LIMB-GIRDLE, AUTOSOMAL RECESSIVE 10. Identifiers: Orphanet 140922, MedGen C1837342, MONDO:0012127, OMIM 608807.
Dilated cardiomyopathy 1G (CMD1G). Identifiers: Orphanet 154, MedGen C1858763, MONDO:0011400, OMIM 604145.

Submissions (2):

Labcorp Genetics (formerly Invitae), Labcorp
Classification: Likely pathogenic for Dilated cardiomyopathy 1G; Autosomal recessive limb-girdle muscular dystrophy type 2J. Last evaluated: 2025-12-08. Review status: criteria provided, single submitter. Criteria: Invitae Variant Classification Sherloc (09022015). Collection method: clinical testing. Allele origin: germline.
Comment: This sequence change creates a premature translational stop signal (p.Glu22344Glyfs*10) in the TTN gene. While this is not anticipated to result in nonsense mediated decay, it is expected to create a truncated TTN protein. This variant is not present in population databases (gnomAD no frequency). This variant has not been reported in the literature in individuals affected with TTN-related conditions. ClinVar contains an entry for this variant (Variation ID: 1736712). This variant is located in the A band of TTN (PMID: 25589632). Truncating variants in this region are significantly overrepresented in patients affected with dilated cardiomyopathy (PMID: 25589632). Truncating variants in this region have also been reported in individuals affected with autosomal recessive centronuclear myopathy (PMID: 23975875). In summary, the currently available evidence indicates that the variant is pathogenic, but additional data are needed to prove that conclusively. Therefore, this variant has been classified as Likely Pathogenic.

Ambry Genetics
Classification: Likely pathogenic for Cardiovascular phenotype. Last evaluated: 2019-05-08. Review status: criteria provided, single submitter. Criteria: Ambry Variant Classification Scheme 2023. Collection method: clinical testing. Allele origin: germline.
Comment: The c.39833dupA variant, located in coding exon 144 of the TTN gene, results from a duplication of A at nucleotide position 39833, causing a translational frameshift with a predicted alternate stop codon (p.E13279Gfs*10). This exon is located in the A-band region of the N2-B isoform of the titin protein and is constitutively expressed in TTN transcripts (percent spliced in or PSI 100%). This alteration is expected to result in loss of function by premature protein truncation or nonsense-mediated mRNA decay. While truncating variants in TTN are present in 1-3% of the general population, truncating variants in the A-band are the most common cause of dilated cardiomyopathy (DCM) (Herman DS et al. N. Engl. J. Med., 2012 Feb;366:619-28; Roberts AM et al. Sci Transl Med, 2015 Jan;7:270ra6). TTN truncating variants encoded in constitutive exons (PSI >90%) have been found to be significantly associated with DCM regardless of their position in titin (Schafer S et al. Nat. Genet., 2017 01;49:46-53). As such, this alteration is classified as likely pathogenic.

Literature cited by the submitters: PubMed 25589632 (cited by Labcorp Genetics (formerly Invitae), Labcorp); PubMed 23975875 (cited by Labcorp Genetics (formerly Invitae), Labcorp).